The following is an entry in ClinVar:

ClinVar aggregate classification (germline): Conflicting classifications of pathogenicity. Review status: criteria provided, conflicting classifications (1 of 4 stars). 3 submissions from 3 submitters: Uncertain significance (1); Likely benign (1). 1 of the submissions does not count toward it. Last evaluated 2024-04-08.

Conditions:
Pulmonary arterial hypertension. Identifiers: Orphanet 182090, MedGen C2973725, MeSH D000081029, MONDO:0015924, HP:0002092.
Adams-Oliver syndrome 5 (AOS5). Identifiers: Orphanet 974, MedGen C4014970, MONDO:0014459, OMIM 616028.

Allele frequency attached by ClinVar (database versions not stated): TOPMed 0.00001; gnomAD exomes below 0.00001; ExAC 0.00001.

Submissions (3):

Labcorp Genetics (formerly Invitae), Labcorp
Classification: Likely benign for Adams-Oliver syndrome 5. Last evaluated: 2024-04-08. Review status: criteria provided, single submitter. Criteria: Invitae Variant Classification Sherloc (09022015). Collection method: clinical testing. Allele origin: germline.

GeneDx
Classification: Uncertain significance. Last evaluated: 2024-01-27. Review status: criteria provided, single submitter. Criteria: GeneDx Variant Classification Process June 2021. Collection method: clinical testing. Allele origin: germline. Affected: yes.
Comment: Has not been previously published as pathogenic or benign to our knowledge; Not observed at significant frequency in large population cohorts (gnomAD); In silico analysis supports that this missense variant does not alter protein structure/function; This variant is associated with the following publications: (PMID: 27535533)

John Welsh Cardiovascular Diagnostic Laboratory, Baylor College of Medicine
Classification: Uncertain significance for Pulmonary arterial hypertension. Last evaluated: 2022-09-26. Review status: no assertion criteria provided. Criteria: ACMG Guidelines, 2015. Collection method: clinical testing. Allele origin: germline. Not counted in ClinVar's aggregate classification.

NM_017617.5(NOTCH1):c.2479G>A (p.Glu827Lys)

Gene: NOTCH1 (notch receptor 1; minus strand). Cytogenetic location: 9q34.3.
Variant type: single nucleotide variant.
Coding change: c.2479G>A on transcript NM_017617.5 (MANE Select); coding-DNA position 2479, G replaced by A.
Protein change: p.Glu827Lys; replaces glutamic acid 827 with lysine.
Molecular consequence: missense variant.
Genome position (GRCh38, 1-based): chr9:136,511,260, C>T on the plus strand (G>A on the coding strand, the complement: NOTCH1 is on the minus strand). VCF-style: chr9-136511260-C-T. GRCh37 (hg19) VCF-style: chr9-139405712-C-T.
Other names: short protein forms E827K.
Identifiers: ClinVar variation 1683987 (VCV001683987.9), dbSNP rs760376139, ClinGen allele CA5341294.
Genomic context (GRCh38, chr9:136,511,260, plus strand): 5'-ATTGCCTGCACTCCCCGCCGTTTCTGCAGGGGCTGGGGGCACACGGGGCCAGCACCACCT[C>T]ACACGTGGCACCTGCGGGAAGGAGACACACGTGACCCCGGGAGCCTCACCCAGAGGGATC-3'
Protein context (NP_060087.3, residues 817-837): CLLPYTGATC[Glu827Lys]VVLAPCAPSP